The following is an entry in ClinVar:

NM_001036.6(RYR3):c.6699G>A (p.Arg2233=)

Gene: RYR3 (ryanodine receptor 3; plus strand). Cytogenetic location: 15q14.
Variant type: single nucleotide variant.
Coding change: c.6699G>A on transcript NM_001036.6 (MANE Select); coding-DNA position 6699, G replaced by A.
Protein change: p.Arg2233=; no amino-acid change (arginine 2233 retained).
Molecular consequence: synonymous variant.
Genome position (GRCh38, 1-based): chr15:33,722,794, G>A. VCF-style: chr15-33722794-G-A. GRCh37 (hg19) VCF-style: chr15-34014995-G-A.
Other names: c.6699G>A, p.Arg2233= (NM_001243996.4).
Identifiers: ClinVar variation 1060628 (VCV001060628.9), dbSNP rs1306167957, ClinGen allele CA489399395.
Genomic context (GRCh38, chr15:33,722,794, plus strand): 5'-CGCCAGCGTTGTGGTCAAGCTGCTCATCAGACGCCCAGAGTGCTTCGGCCCGGCCCTGCG[G>A]GGTGAGGGGGGAAACGGGCTCTTGGCAGCCATGCAGGGTGCCATTAAGATCTCTGAGAAC-3'
Protein context (NP_001027.3, residues 2223-2243): RRPECFGPAL[Arg2233=]GEGGNGLLAA

ClinVar aggregate classification (germline): Uncertain significance (1 of 4 stars; one submission).

Conditions:
Epileptic encephalopathy. Identifiers: MedGen C0543888, HP:0200134.

Allele frequency attached by ClinVar (database versions not stated): gnomAD exomes below 0.00001.
gnomAD v4.1: 1 of 1,613,360 alleles (0.000062%); highest among the groups gnomAD compares: South Asian, 0.0011%; no homozygotes.

Submission:

Labcorp Genetics (formerly Invitae), Labcorp
Classification: Uncertain significance for Epileptic encephalopathy. Last evaluated: 2020-05-11. Review status: criteria provided, single submitter. Criteria: Invitae Variant Classification Sherloc (09022015). Collection method: clinical testing. Allele origin: germline.
Comment: In summary, the available evidence is currently insufficient to determine the role of this variant in disease. Therefore, it has been classified as a Variant of Uncertain Significance. Algorithms developed to predict the effect of sequence changes on RNA splicing suggest that this variant may create or strengthen a splice site, but this prediction has not been confirmed by published transcriptional studies. This variant has not been reported in the literature in individuals with RYR3-related conditions. This variant is not present in population databases (ExAC no frequency). This sequence change affects codon 2233 of the RYR3 mRNA. It is a 'silent' change, meaning that it does not change the encoded amino acid sequence of the RYR3 protein.